The following is an entry in ClinVar:

NM_000836.4(GRIN2D):c.2620C>T (p.Arg874Trp)

Gene: GRIN2D (glutamate ionotropic receptor NMDA type subunit 2D; plus strand). Cytogenetic location: 19q13.33.
Variant type: single nucleotide variant.
Coding change: c.2620C>T on transcript NM_000836.4 (MANE Select); coding-DNA position 2620, C replaced by T.
Protein change: p.Arg874Trp; replaces arginine 874 with tryptophan.
Molecular consequence: missense variant.
Genome position (GRCh38, 1-based): chr19:48,442,329, C>T. VCF-style: chr19-48442329-C-T. GRCh37 (hg19) VCF-style: chr19-48945586-C-T.
Other names: short protein forms R874W.
Identifiers: ClinVar variation 1697144 (VCV001697144.7), dbSNP rs1318224381, ClinGen allele CA406670435.

ClinVar aggregate classification (germline): Uncertain significance. Review status: criteria provided, multiple submitters, no conflicts (2 of 4 stars). 2 submissions from 2 submitters: Uncertain significance (2). Last evaluated 2022-07-22.

Allele frequency attached by ClinVar (database versions not stated): gnomAD exomes below 0.00001.
gnomAD v4.1: 2 of 1,613,678 alleles (0.00012%); highest among the groups gnomAD compares: East Asian, 0.0022%; no homozygotes.

Submissions (2):

Labcorp Genetics (formerly Invitae), Labcorp
Classification: Uncertain significance. Last evaluated: 2022-07-22. Review status: criteria provided, single submitter. Criteria: Invitae Variant Classification Sherloc (09022015). Collection method: clinical testing. Allele origin: germline.
Comment: In summary, the available evidence is currently insufficient to determine the role of this variant in disease. Therefore, it has been classified as a Variant of Uncertain Significance. Advanced modeling of protein sequence and biophysical properties (such as structural, functional, and spatial information, amino acid conservation, physicochemical variation, residue mobility, and thermodynamic stability) performed at Invitae indicates that this missense variant is expected to disrupt GRIN2D protein function. This variant has not been reported in the literature in individuals affected with GRIN2D-related conditions. This variant is not present in population databases (gnomAD no frequency). This sequence change replaces arginine, which is basic and polar, with tryptophan, which is neutral and slightly polar, at codon 874 of the GRIN2D protein (p.Arg874Trp).

GeneDx
Classification: Uncertain significance. Last evaluated: 2022-01-12. Review status: criteria provided, single submitter. Criteria: GeneDx Variant Classification Process June 2021. Collection method: clinical testing. Allele origin: germline. Affected: yes.
Comment: In silico analysis supports that this missense variant has a deleterious effect on protein structure/function; Has not been previously published as pathogenic or benign to our knowledge